The following is an entry in ClinVar:

NM_000112.4(SLC26A2):c.138dup (p.Gln47fs)

Gene: SLC26A2 (solute carrier family 26 member 2; plus strand). Cytogenetic location: 5q32.
Variant type: Duplication.
Coding change: c.138dup on transcript NM_000112.4 (MANE Select); coding-DNA position 138, one base duplicated (T; older notation c.138dupT).
Protein change: p.Gln47fs; shifts the reading frame from glutamine 47.
Molecular consequence: frameshift variant.
Genome position (GRCh38, 1-based): chr5:149,977,790, T duplicated. VCF-style (leftmost placement, unchanged base first): chr5-149977789-A-AT. GRCh37 (hg19) VCF-style: chr5-149357352-A-AT.
Other names: short protein forms Q47fs.
Identifiers: ClinVar variation 964035 (VCV000964035.8), dbSNP rs1755018682, ClinGen allele CA1139659135.

ClinVar aggregate classification (germline): Pathogenic (1 of 4 stars; one submission).

Conditions:
Achondrogenesis, type IB (ACG1B). Also called: Achondrogenesis Type 1B. Identifiers: Orphanet 932, Orphanet 93298, MedGen C0265274, MONDO:0010966, OMIM 600972.
Diastrophic dysplasia (DTD). Also called: Diastrophic dwarfism. Identifiers: Orphanet 628, MedGen C0220726, MONDO:0009107, OMIM 222600.
Atelosteogenesis type II (AO2). Also called: Neonatal osseous dysplasia 1; SLC26A2-Related Atelosteogenesis; NEONATAL OSSEOUS DYSPLASIA I. Identifiers: Orphanet 56304, MedGen C1850554, MONDO:0009727, OMIM 256050.
Multiple epiphyseal dysplasia type 4 (EDM4). Also called: Multiple Epiphyseal Dysplasia, Recessive; SLC26A2-Related Multiple Epiphyseal Dysplasia; MULTIPLE EPIPHYSEAL DYSPLASIA WITH BILAYERED PATELLAE; MULTIPLE EPIPHYSEAL DYSPLASIA WITH CLUBFOOT; MULTIPLE EPIPHYSEAL DYSPLASIA, AUTOSOMAL RECESSIVE. Identifiers: Orphanet 93307, MedGen C1847593, MONDO:0009189, OMIM 226900.

Submission:

Labcorp Genetics (formerly Invitae), Labcorp
Classification: Pathogenic for Atelosteogenesis type II; Multiple epiphyseal dysplasia type 4; Achondrogenesis, type IB; Diastrophic dysplasia. Last evaluated: 2019-08-04. Review status: criteria provided, single submitter. Criteria: Invitae Variant Classification Sherloc (09022015). Collection method: clinical testing. Allele origin: germline.
Comment: This sequence change creates a premature translational stop signal (p.Gln47Serfs*7) in the SLC26A2 gene. It is expected to result in an absent or disrupted protein product. This variant is not present in population databases (ExAC no frequency). This variant has not been reported in the literature in individuals with SLC26A2-related conditions. Loss-of-function variants in SLC26A2 are known to be pathogenic (PMID: 7923357, 8528239, 8571951, 10482955, 11241838, 12525546, 20592910, 21077202). For these reasons, this variant has been classified as Pathogenic.

Literature cited by the submitters: PubMed 7923357; PubMed 8528239; PubMed 8571951; PubMed 10482955; PubMed 11241838; PubMed 12525546; PubMed 20592910; PubMed 21077202.